The following is an entry in ClinVar:

ClinVar aggregate classification (germline): Uncertain significance. Review status: criteria provided, multiple submitters, no conflicts (2 of 4 stars). 4 submissions from 4 submitters: Uncertain significance (3). 1 of the submissions does not count toward it. Last evaluated 2024-01-08.

Conditions:
Bloom syndrome (BLM). Also called: Bloom-Torre-Machacek syndrome. Identifiers: Orphanet 125, MedGen C0005859, MONDO:0008876, OMIM 210900.
Hereditary cancer-predisposing syndrome. Also called: Hereditary Cancer Syndrome; Tumor predisposition; Hereditary neoplastic syndrome; Neoplastic Syndromes, Hereditary. Identifiers: Orphanet 140162, MedGen C0027672, MeSH D009386, MONDO:0015356.

Submissions (4):

St. Jude Molecular Pathology, St. Jude Children's Research Hospital
Classification: Uncertain significance for Bloom syndrome. Last evaluated: 2024-01-08. Review status: criteria provided, single submitter. Criteria: St. Jude Assertion Criteria 2020. Collection method: clinical testing. Allele origin: germline.
Comment: The BLM c.2212A>G (p.Thr738Ala) missense change is absent in gnomAD v2.1.1. The in silico tool REVEL predicts a benign effect on protein function, but to our knowledge this prediction has not been confirmed by functional studies. To our knowledge, this variant has not been reported in individuals with Bloom syndrome. In summary, the evidence currently available is insufficient to determine the clinical significance of this variant. It has therefore been classified as of uncertain significance.

Ambry Genetics
Classification: Uncertain significance for Hereditary cancer-predisposing syndrome. Last evaluated: 2023-06-27. Review status: criteria provided, single submitter. Criteria: Ambry Variant Classification Scheme 2023. Collection method: clinical testing. Allele origin: germline.
Comment: The p.T738A variant (also known as c.2212A>G), located in coding exon 9 of the BLM gene, results from an A to G substitution at nucleotide position 2212. The threonine at codon 738 is replaced by alanine, an amino acid with similar properties. This amino acid position is well conserved in available vertebrate species. In addition, this alteration is predicted to be tolerated by in silico analysis. Since supporting evidence is limited at this time, the clinical significance of this alteration remains unclear.

Labcorp Genetics (formerly Invitae), Labcorp
Classification: Uncertain significance for Bloom syndrome. Last evaluated: 2018-07-26. Review status: criteria provided, single submitter. Criteria: Invitae Variant Classification Sherloc (09022015). Collection method: clinical testing. Allele origin: germline.
Comment: This variant has not been reported in the literature in individuals with BLM-related disease. In summary, the available evidence is currently insufficient to determine the role of this variant in disease. Therefore, it has been classified as a Variant of Uncertain Significance. Algorithms developed to predict the effect of missense changes on protein structure and function are either unavailable or do not agree on the potential impact of this missense change (SIFT: "Deleterious"; PolyPhen-2: "Possibly Damaging"; Align-GVGD: "Class C0"). This variant is not present in population databases (ExAC no frequency). This sequence change replaces threonine with alanine at codon 738 of the BLM protein (p.Thr738Ala). The threonine residue is moderately conserved and there is a small physicochemical difference between threonine and alanine.

Natera, Inc.
Classification: Uncertain significance for Bloom syndrome. Last evaluated: 2020-01-16. Review status: no assertion criteria provided. Collection method: clinical testing. Allele origin: germline. Not counted in ClinVar's aggregate classification.

NM_000057.4(BLM):c.2212A>G (p.Thr738Ala)

Gene: BLM (BLM RecQ like helicase; plus strand). Cytogenetic location: 15q26.1.
Variant type: single nucleotide variant.
Coding change: c.2212A>G on transcript NM_000057.4 (MANE Select); coding-DNA position 2212, A replaced by G.
Protein change: p.Thr738Ala; replaces threonine 738 with alanine.
Molecular consequence: missense variant.
Genome position (GRCh38, 1-based): chr15:90,766,928, A>G. VCF-style: chr15-90766928-A-G. GRCh37 (hg19) VCF-style: chr15-91310158-A-G.
Other names: c.2212A>G (NM_000057.2); c.2212A>G, p.Thr738Ala (NM_001287246.2, NM_001287247.2); c.1087A>G, p.Thr363Ala (NM_001287248.2); short protein forms T363A, T738A.
Identifiers: ClinVar variation 646436 (VCV000646436.15), dbSNP rs1050741211, ClinGen allele CA393844800.